The following is an entry in ClinVar:

ClinVar aggregate classification (germline): Uncertain significance. Review status: criteria provided, multiple submitters, no conflicts (2 of 4 stars). 3 submissions from 3 submitters: Uncertain significance (3). Last evaluated 2025-08-08.

Conditions:
Hereditary cancer-predisposing syndrome. Also called: Hereditary neoplastic syndrome; Neoplastic Syndromes, Hereditary; Tumor predisposition; Hereditary Cancer Syndrome. Identifiers: Orphanet 140162, MedGen C0027672, MeSH D009386, MONDO:0015356.

Allele frequency attached by ClinVar (database versions not stated): gnomAD exomes below 0.00001; ExAC 0.00001; gnomAD 0.00001.
gnomAD v4.1: 4 of 1,613,824 alleles (0.00025%); highest among the groups gnomAD compares: Non-Finnish European, 0.00034%; no homozygotes.

Submissions (3):

Ambry Genetics
Classification: Uncertain significance for Hereditary cancer-predisposing syndrome. Last evaluated: 2025-08-08. Review status: criteria provided, single submitter. Criteria: Ambry Variant Classification Scheme 2023. Collection method: clinical testing. Allele origin: germline.
Comment: The p.D1165E variant (also known as c.3495C>G), located in coding exon 29 of the POLE gene, results from a C to G substitution at nucleotide position 3495. The aspartic acid at codon 1165 is replaced by glutamic acid, an amino acid with highly similar properties. This amino acid position is conserved. In addition, this alteration is predicted to be tolerated by in silico analysis. Since supporting evidence is limited at this time, the clinical significance of this alteration remains unclear.

Labcorp Genetics (formerly Invitae), Labcorp
Classification: Uncertain significance. Last evaluated: 2022-08-31. Review status: criteria provided, single submitter. Criteria: Invitae Variant Classification Sherloc (09022015). Collection method: clinical testing. Allele origin: germline.
Comment: This variant has not been reported in the literature in individuals affected with POLE-related conditions. This variant is present in population databases (rs753667513, gnomAD 0.0009%). This sequence change replaces aspartic acid, which is acidic and polar, with glutamic acid, which is acidic and polar, at codon 1165 of the POLE protein (p.Asp1165Glu). ClinVar contains an entry for this variant (Variation ID: 1320519). In summary, the available evidence is currently insufficient to determine the role of this variant in disease. Therefore, it has been classified as a Variant of Uncertain Significance. Algorithms developed to predict the effect of missense changes on protein structure and function are either unavailable or do not agree on the potential impact of this missense change (SIFT: "Deleterious"; PolyPhen-2: "Benign"; Align-GVGD: "Class C35").

GeneDx
Classification: Uncertain significance. Last evaluated: 2021-05-06. Review status: criteria provided, single submitter. Criteria: GeneDx Variant Classification Process June 2021. Collection method: clinical testing. Allele origin: germline. Affected: yes.
Comment: Has not been previously published as pathogenic or benign to our knowledge; Not observed at a significant frequency in large population cohorts (Lek 2016); In silico analysis supports that this missense variant has a deleterious effect on protein structure/function

NM_006231.4(POLE):c.3495C>G (p.Asp1165Glu)

Gene: POLE (DNA polymerase epsilon, catalytic subunit; minus strand). Cytogenetic location: 12q24.33.
Variant type: single nucleotide variant.
Coding change: c.3495C>G on transcript NM_006231.4 (MANE Select); coding-DNA position 3495, C replaced by G.
Protein change: p.Asp1165Glu; replaces aspartic acid 1165 with glutamic acid.
Molecular consequence: missense variant.
Genome position (GRCh38, 1-based): chr12:132,657,223, G>C on the plus strand (C>G on the coding strand, the complement: POLE is on the minus strand). VCF-style: chr12-132657223-G-C. GRCh37 (hg19) VCF-style: chr12-133233809-G-C.
Other names: short protein forms D1165E.
Identifiers: ClinVar variation 1320519 (VCV001320519.12), dbSNP rs753667513, ClinGen allele CA6893197.